The following is an entry in ClinVar:

NM_206933.4(USH2A):c.996del (p.Ser333fs)

Gene: USH2A (usherin; minus strand). Cytogenetic location: 1q41.
Variant type: Deletion.
Coding change: c.996del on transcript NM_206933.4 (MANE Select); coding-DNA position 996, one base deleted (G; older notation c.996delG).
Protein change: p.Ser333fs; shifts the reading frame from serine 333.
Molecular consequence: frameshift variant.
Genome position (GRCh38, 1-based): chr1:216,325,452, C deleted on the plus strand (G on the coding strand, the reverse complement: USH2A is on the minus strand). VCF-style (leftmost placement, unchanged base first): chr1-216325451-AC-A. GRCh37 (hg19) VCF-style: chr1-216498793-AC-A.
Other names: c.996del, p.Ser333fs (NM_007123.6); short protein forms S333fs.
Identifiers: ClinVar variation 5012525 (VCV005012525.1).

ClinVar aggregate classification (germline): Pathogenic (1 of 4 stars; one submission).

Conditions:
USH2A-related disorder. Also called: USH2A-related condition; USH2A-related disorders. Identifiers: MedGen CN239332.

Submission:

Myriad Genetics, Inc.
Classification: Pathogenic for USH2A-related disorder. Last evaluated: 2023-11-29. Review status: criteria provided, single submitter. Criteria: Myriad Autosomal Dominant, Autosomal Recessive and X-Linked Classification Criteria (2023). Collection method: clinical testing. Allele origin: unknown.
Comment: NM_206933.2(USH2A):c.996delG(S333Hfs*3) is expected to be pathogenic in the context of USH2A-related disorders. This variant is predicted to lead to an abnormal or absent protein product due to the creation of a premature termination codon in USH2A, a gene where loss-of-function variants are known to be pathogenic. Please note: this variant was assessed in the context of healthy population screening.